The following is an entry in ClinVar:

ClinVar aggregate classification (germline): Uncertain significance. Review status: criteria provided, multiple submitters, no conflicts (2 of 4 stars). 2 submissions from 2 submitters: Uncertain significance (2). Last evaluated 2024-09-12.

Conditions:
DOCK2 deficiency. Also called: Immunodeficiency 40. Identifiers: Orphanet 447737, MedGen C4225328, MONDO:0014637, OMIM 616433.

Allele frequency attached by ClinVar (database versions not stated): ExAC 0.00001; gnomAD 0.00002; TOPMed 0.00003; gnomAD exomes 0.00004; ESP Exome Variant Server 0.00015.
gnomAD v4.1: 59 of 1,613,948 alleles (0.0037%); highest among the groups gnomAD compares: Non-Finnish European, 0.0046%; no homozygotes.

Submissions (2):

Blueprint Genetics
Classification: Uncertain significance. Last evaluated: 2024-09-12. Review status: criteria provided, single submitter. Criteria: ACMG Guidelines, 2015. Collection method: clinical testing. Allele origin: germline.

Labcorp Genetics (formerly Invitae), Labcorp
Classification: Uncertain significance for DOCK2 deficiency. Last evaluated: 2022-06-30. Review status: criteria provided, single submitter. Criteria: Invitae Variant Classification Sherloc (09022015). Collection method: clinical testing. Allele origin: germline.
Comment: This sequence change replaces isoleucine, which is neutral and non-polar, with valine, which is neutral and non-polar, at codon 194 of the DOCK2 protein (p.Ile194Val). This variant is present in population databases (rs147299638, gnomAD 0.003%). This variant has not been reported in the literature in individuals affected with DOCK2-related conditions. Algorithms developed to predict the effect of missense changes on protein structure and function (SIFT, PolyPhen-2, Align-GVGD) all suggest that this variant is likely to be tolerated. In summary, the available evidence is currently insufficient to determine the role of this variant in disease. Therefore, it has been classified as a Variant of Uncertain Significance.

NM_004946.3(DOCK2):c.580A>G (p.Ile194Val)

Gene: DOCK2 (dedicator of cytokinesis 2; plus strand). Cytogenetic location: 5q35.1.
Variant type: single nucleotide variant.
Coding change: c.580A>G on transcript NM_004946.3 (MANE Select); coding-DNA position 580, A replaced by G.
Protein change: p.Ile194Val; replaces isoleucine 194 with valine.
Molecular consequence: missense variant. On other transcripts: non-coding transcript variant (1).
Genome position (GRCh38, 1-based): chr5:169,681,853, A>G. VCF-style: chr5-169681853-A-G. GRCh37 (hg19) VCF-style: chr5-169108857-A-G.
Other names: short protein forms I194V.
Identifiers: ClinVar variation 2057691 (VCV002057691.2), dbSNP rs147299638, ClinGen allele CA3553196.